The following is an entry in ClinVar:

NM_173689.7(CRB2):c.2035C>T (p.Arg679Trp)

Gene: CRB2 (crumbs cell polarity complex component 2; plus strand). Cytogenetic location: 9q33.3.
Variant type: single nucleotide variant.
Coding change: c.2035C>T on transcript NM_173689.7 (MANE Select); coding-DNA position 2035, C replaced by T.
Protein change: p.Arg679Trp; replaces arginine 679 with tryptophan.
Molecular consequence: missense variant. On other transcripts: non-coding transcript variant (1).
Genome position (GRCh38, 1-based): chr9:123,371,177, C>T. VCF-style: chr9-123371177-C-T. GRCh37 (hg19) VCF-style: chr9-126133456-C-T.
Other names: c.2035C>T (NM_173689.5); short protein forms R679W.
Identifiers: ClinVar variation 2420613 (VCV002420613.7), dbSNP rs769939956, ClinGen allele CA5232118.

ClinVar aggregate classification (germline): Uncertain significance. Review status: criteria provided, multiple submitters, no conflicts (2 of 4 stars). 2 submissions from 2 submitters: Uncertain significance (2). Last evaluated 2024-06-03.

Conditions:
Inborn genetic diseases. Identifiers: MedGen C0950123, MeSH D030342.

Allele frequency attached by ClinVar (database versions not stated): ExAC 0.00001; gnomAD 0.00001; gnomAD exomes 0.00001; TOPMed 0.00001.
gnomAD v4.1: 20 of 1,613,682 alleles (0.0012%); highest among the groups gnomAD compares: East Asian, 0.016%; no homozygotes.

Submissions (2):

Labcorp Genetics (formerly Invitae), Labcorp
Classification: Uncertain significance. Last evaluated: 2024-06-03. Review status: criteria provided, single submitter. Criteria: Invitae Variant Classification Sherloc (09022015). Collection method: clinical testing. Allele origin: germline.
Comment: This sequence change replaces arginine, which is basic and polar, with tryptophan, which is neutral and slightly polar, at codon 679 of the CRB2 protein (p.Arg679Trp). The frequency data for this variant in the population databases is considered unreliable, as metrics indicate poor data quality at this position in the gnomAD database. This variant has not been reported in the literature in individuals affected with CRB2-related conditions. ClinVar contains an entry for this variant (Variation ID: 2420613). Advanced modeling of protein sequence and biophysical properties (such as structural, functional, and spatial information, amino acid conservation, physicochemical variation, residue mobility, and thermodynamic stability) performed at Invitae indicates that this missense variant is not expected to disrupt CRB2 protein function with a negative predictive value of 80%. In summary, the available evidence is currently insufficient to determine the role of this variant in disease. Therefore, it has been classified as a Variant of Uncertain Significance.

Ambry Genetics
Classification: Uncertain significance for Inborn genetic diseases. Last evaluated: 2024-03-18. Review status: criteria provided, single submitter. Criteria: Ambry Variant Classification Scheme 2023. Collection method: clinical testing. Allele origin: germline.